The following is an entry in ClinVar:

ClinVar aggregate classification (germline): Likely pathogenic (1 of 4 stars; one submission).

Conditions:
Duchenne muscular dystrophy (DMD). Also called: MUSCULAR DYSTROPHY, PSEUDOHYPERTROPHIC PROGRESSIVE, DUCHENNE TYPE; Duchenne Muscular Dystrophy (DMD). Identifiers: Orphanet 98896, MedGen C0013264, MONDO:0010679, OMIM 310200.

Submission:

Labcorp Genetics (formerly Invitae), Labcorp
Classification: Likely pathogenic for Duchenne muscular dystrophy. Last evaluated: 2018-12-07. Review status: criteria provided, single submitter. Criteria: Invitae Variant Classification Sherloc (09022015). Collection method: clinical testing. Allele origin: unknown.
Comment: In summary, the currently available evidence indicates that the variant is pathogenic, but additional data are needed to prove that conclusively. Therefore, this variant has been classified as Likely Pathogenic. Loss-of-function variants in DMD are known to be pathogenic (PMID: 16770791, 25007885). This variant has not been reported in the literature in individuals with DMD-related conditions. This variant is a deletion of the genomic region encompassing 41-54 and part of exon 40 (c.5598_8027+6865del) of the DMD gene. It is expected to disrupt RNA splicing and likely results in an absent or disrupted protein product.

Literature cited by the submitters: PubMed 16770791; PubMed 25007885.

NC_000023.10:g.(?_31669242)_(32361392_?)del

Gene: DMD (dystrophin; minus strand). Cytogenetic location: Xp21.1.
Variant type: Deletion.
Identifiers: ClinVar variation 3243560 (VCV003243560.1).